The following is an entry in ClinVar:

NM_003816.3(ADAM9):c.1647A>C (p.Arg549Ser)

Gene: ADAM9 (ADAM metallopeptidase domain 9; plus strand). Cytogenetic location: 8p11.22.
Variant type: single nucleotide variant.
Coding change: c.1647A>C on transcript NM_003816.3 (MANE Select); coding-DNA position 1647, A replaced by C.
Protein change: p.Arg549Ser; replaces arginine 549 with serine.
Molecular consequence: missense variant. On other transcripts: non-coding transcript variant (3).
Genome position (GRCh38, 1-based): chr8:39,071,353, A>C. VCF-style: chr8-39071353-A-C. GRCh37 (hg19) VCF-style: chr8-38928872-A-C.
Other names: short protein forms R549S.
Identifiers: ClinVar variation 4745256 (VCV004745256.1).
Genomic context (GRCh38, chr8:39,071,353, plus strand): 5'-TACAGAAGCCAAGGCTGCCCCCAAAGATTGTTTCATTGAAGTGAATTCTAAAGGTGACAG[A>C]TTTGGCAATTGTGGTTTCTCTGGCAATGAATACAAGAAGTGTGCCACTGGGTAAGTGGAG-3'
Protein context (NP_003807.1, residues 539-559): CFIEVNSKGD[Arg549Ser]FGNCGFSGNE

ClinVar aggregate classification (germline): Uncertain significance (1 of 4 stars; one submission).

Submission:

Labcorp Genetics (formerly Invitae), Labcorp
Classification: Uncertain significance. Last evaluated: 2025-04-19. Review status: criteria provided, single submitter. Criteria: Invitae Variant Classification Sherloc (09022015). Collection method: clinical testing. Allele origin: germline.
Comment: This sequence change replaces arginine, which is basic and polar, with serine, which is neutral and polar, at codon 549 of the ADAM9 protein (p.Arg549Ser). This variant is not present in population databases (gnomAD no frequency). This variant has not been reported in the literature in individuals affected with ADAM9-related conditions. Invitae Evidence Modeling of protein sequence and biophysical properties (such as structural, functional, and spatial information, amino acid conservation, physicochemical variation, residue mobility, and thermodynamic stability) indicates that this missense variant is not expected to disrupt ADAM9 protein function with a negative predictive value of 80%. In summary, the available evidence is currently insufficient to determine the role of this variant in disease. Therefore, it has been classified as a Variant of Uncertain Significance.